The following is an entry in ClinVar:

ClinVar aggregate classification (germline): Uncertain significance. Review status: criteria provided, multiple submitters, no conflicts (2 of 4 stars). 2 submissions from 2 submitters: Uncertain significance (2). Last evaluated 2022-10-18.

Conditions:
Hereditary cancer-predisposing syndrome. Also called: Tumor predisposition; Hereditary Cancer Syndrome; Hereditary neoplastic syndrome; Neoplastic Syndromes, Hereditary. Identifiers: Orphanet 140162, MedGen C0027672, MeSH D009386, MONDO:0015356.
Familial cancer of breast. Also called: hereditary breast carcinoma; BREAST CANCER, FAMILIAL; Hereditary breast cancer. Identifiers: Orphanet 227535, MedGen C0346153, MONDO:0016419, OMIM 114480. Disease mechanism: loss of function.

gnomAD v4.1: 1 of 1,614,114 alleles (0.000062%); highest among the groups gnomAD compares: Non-Finnish European, 0.000085%; no homozygotes.

Submissions (2):

Color Diagnostics, LLC DBA Color Health
Classification: Uncertain significance for Hereditary cancer-predisposing syndrome. Last evaluated: 2022-10-18. Review status: criteria provided, single submitter. Criteria: ACMG Guidelines, 2015. Collection method: clinical testing. Allele origin: germline.
Comment: This missense variant replaces leucine with phenylalanine at codon 171 of the PALB2 protein. Computational prediction suggests that this variant may not impact protein structure and function (internally defined REVEL score threshold <= 0.5, PMID: 27666373). To our knowledge, functional studies have not been reported for this variant. This variant has not been reported in individuals affected with hereditary cancer in the literature. This variant has not been identified in the general population by the Genome Aggregation Database (gnomAD). The available evidence is insufficient to determine the role of this variant in disease conclusively. Therefore, this variant is classified as a Variant of Uncertain Significance.

Labcorp Genetics (formerly Invitae), Labcorp
Classification: Uncertain significance for Familial cancer of breast. Last evaluated: 2022-01-23. Review status: criteria provided, single submitter. Criteria: Invitae Variant Classification Sherloc (09022015). Collection method: clinical testing. Allele origin: germline.
Comment: In summary, the available evidence is currently insufficient to determine the role of this variant in disease. Therefore, it has been classified as a Variant of Uncertain Significance. Algorithms developed to predict the effect of missense changes on protein structure and function are either unavailable or do not agree on the potential impact of this missense change (SIFT: "Tolerated"; PolyPhen-2: "Possibly Damaging"; Align-GVGD: "Class C0"). This variant has not been reported in the literature in individuals affected with PALB2-related conditions. This variant is not present in population databases (gnomAD no frequency). This sequence change replaces leucine, which is neutral and non-polar, with phenylalanine, which is neutral and non-polar, at codon 171 of the PALB2 protein (p.Leu171Phe).

NM_024675.4(PALB2):c.513G>C (p.Leu171Phe)

Gene: PALB2 (partner and localizer of BRCA2; minus strand). Cytogenetic location: 16p12.2.
Variant type: single nucleotide variant.
Coding change: c.513G>C on transcript NM_024675.4 (MANE Select); coding-DNA position 513, G replaced by C.
Protein change: p.Leu171Phe; replaces leucine 171 with phenylalanine.
Molecular consequence: missense variant.
Genome position (GRCh38, 1-based): chr16:23,636,033, C>G on the plus strand (G>C on the coding strand, the complement: PALB2 is on the minus strand). VCF-style: chr16-23636033-C-G. GRCh37 (hg19) VCF-style: chr16-23647354-C-G.
Other names: c.453G>C, p.Leu151Phe (NM_001407296.1); c.513G>C, p.Leu171Phe (NM_001407297.1, NM_001407298.1, NM_001407299.1 and 3 more transcripts); c.-373G>C (NM_001407304.1, NM_001407305.1, NM_001407306.1 and 5 more transcripts); short protein forms L151F, L171F.
Identifiers: ClinVar variation 2088474 (VCV002088474.6), dbSNP rs1251724216, ClinGen allele CA395137009.
Genomic context (GRCh38, chr16:23,636,033, plus strand): 5'-TGGTGATCTAGCAGGATTTTTGCTACTGATTTCTTCCTGTTCCTTTAGTCTTTTCCCAGA[C>G]AATCTGAGTGAATCAGTGCCAAAGACACAGTCTCTCTCCTGTGAAATAAATGTCCTCTTC-3'
Protein context (NP_078951.2, residues 161-181): DCVFGTDSLR[Leu171Phe]SGKRLKEQEE